The following is an entry in ClinVar:

ClinVar aggregate classification (germline): Uncertain significance. Review status: criteria provided, multiple submitters, no conflicts (2 of 4 stars). 5 submissions from 5 submitters: Uncertain significance (5). Last evaluated 2025-12-02.

Conditions:
Cardiovascular phenotype. Identifiers: MedGen CN230736.
Myofibrillar myopathy 6. Identifiers: Orphanet 199340, MedGen C2751831, MONDO:0013061, OMIM 612954.
Dilated cardiomyopathy 1HH (CMD1HH). Identifiers: Orphanet 154, MedGen C3151293, MONDO:0013479, OMIM 613881.

Allele frequency attached by ClinVar (database versions not stated): TOPMed 0.00004; gnomAD exomes below 0.00001 and 0.00001; gnomAD 0.00002; ESP Exome Variant Server 0.00015.
gnomAD v4.1: 8 of 1,614,094 alleles (0.0005%); highest among the groups gnomAD compares: African/African-American, 0.011%; no homozygotes.

Submissions (5):

Ambry Genetics
Classification: Uncertain significance for Cardiovascular phenotype. Last evaluated: 2025-12-02. Review status: criteria provided, single submitter. Criteria: Ambry Variant Classification Scheme 2023. Collection method: clinical testing. Allele origin: germline.
Comment: The p.E239K variant (also known as c.715G>A), located in coding exon 3 of the BAG3 gene, results from a G to A substitution at nucleotide position 715. The glutamic acid at codon 239 is replaced by lysine, an amino acid with similar properties. This amino acid position is conserved. In addition, the in silico prediction for this alteration is inconclusive. Since supporting evidence is limited at this time, the clinical significance of this alteration remains unclear.

Labcorp Genetics (formerly Invitae), Labcorp
Classification: Uncertain significance for Dilated cardiomyopathy 1HH; Myofibrillar myopathy 6. Last evaluated: 2025-09-27. Review status: criteria provided, single submitter. Criteria: Invitae Variant Classification Sherloc (09022015). Collection method: clinical testing. Allele origin: germline.
Comment: This sequence change replaces glutamic acid, which is acidic and polar, with lysine, which is basic and polar, at codon 239 of the BAG3 protein (p.Glu239Lys). This variant is present in population databases (rs148544471, gnomAD 0.01%). This missense change has been observed in individual(s) with dilated cardiomyopathy (internal data). ClinVar contains an entry for this variant (Variation ID: 950240). Invitae Evidence Modeling of protein sequence and biophysical properties (such as structural, functional, and spatial information, amino acid conservation, physicochemical variation, residue mobility, and thermodynamic stability) indicates that this missense variant is not expected to disrupt BAG3 protein function with a negative predictive value of 80%. In summary, the available evidence is currently insufficient to determine the role of this variant in disease. Therefore, it has been classified as a Variant of Uncertain Significance.

Revvity Omics, Revvity
Classification: Uncertain significance. Last evaluated: 2023-10-13. Review status: criteria provided, single submitter. Criteria: ACMG Guidelines, 2015. Collection method: clinical testing. Allele origin: germline.

Blueprint Genetics
Classification: Uncertain significance. Last evaluated: 2022-05-18. Review status: criteria provided, single submitter. Criteria: ACMG Guidelines, 2015. Collection method: clinical testing. Allele origin: germline.

GeneDx
Classification: Uncertain significance. Last evaluated: 2019-09-10. Review status: criteria provided, single submitter. Criteria: GeneDx Variant Classification Process June 2021. Collection method: clinical testing. Allele origin: germline. Affected: yes.
Comment: Has not been previously published as pathogenic or benign to our knowledge; Not observed at a significant frequency in large population cohorts (Lek et al., 2016); In silico analysis, which includes protein predictors and evolutionary conservation, supports that this variant does not alter protein structure/function

NM_004281.4(BAG3):c.715G>A (p.Glu239Lys)

Gene: BAG3 (BAG cochaperone 3; plus strand). Cytogenetic location: 10q26.11.
Variant type: single nucleotide variant.
Coding change: c.715G>A on transcript NM_004281.4 (MANE Select); coding-DNA position 715, G replaced by A.
Protein change: p.Glu239Lys; replaces glutamic acid 239 with lysine.
Molecular consequence: missense variant.
Genome position (GRCh38, 1-based): chr10:119,672,462, G>A. VCF-style: chr10-119672462-G-A. GRCh37 (hg19) VCF-style: chr10-121431974-G-A.
Other names: short protein forms E239K.
Identifiers: ClinVar variation 950240 (VCV000950240.16), dbSNP rs148544471, ClinGen allele CA214221891.